The following is an entry in ClinVar:

ClinVar aggregate classification (germline): Conflicting classifications of pathogenicity. Review status: criteria provided, conflicting classifications (1 of 4 stars). 5 submissions from 5 submitters: Uncertain significance (2); Benign (1); Likely benign (2). Last evaluated 2026-01-19.

Conditions:
Inborn genetic diseases. Identifiers: MedGen C0950123, MeSH D030342.

Allele frequency attached by ClinVar (database versions not stated): TOPMed 0.00003; 1000 Genomes Project 0.00020; gnomAD 0.00015; gnomAD exomes 0.00010; 1000 Genomes Project 30x 0.00016.
gnomAD v4.1: 158 of 1,550,232 alleles (0.01%); highest among the groups gnomAD compares: Middle Eastern, 0.033%; no homozygotes.

Submissions (5):

Labcorp Genetics (formerly Invitae), Labcorp
Classification: Benign. Last evaluated: 2026-01-19. Review status: criteria provided, single submitter. Criteria: Invitae Variant Classification Sherloc (09022015). Collection method: clinical testing. Allele origin: germline.

Revvity Omics, Revvity
Classification: Likely benign. Last evaluated: 2024-05-06. Review status: criteria provided, single submitter. Criteria: ACMG Guidelines, 2015. Collection method: clinical testing. Allele origin: germline.

Mayo Clinic Laboratories, Mayo Clinic
Classification: Uncertain significance. Last evaluated: 2023-10-24. Review status: criteria provided, single submitter. Criteria: ACMG Guidelines, 2015. Collection method: clinical testing. Allele origin: germline. Observed: 1 variant allele.
Comment: BP4_strong

ARUP Laboratories, Molecular Genetics and Genomics, ARUP Laboratories
Classification: Likely benign. Last evaluated: 2023-04-14. Review status: criteria provided, single submitter. Criteria: ARUP Molecular Germline Variant Investigation Process 2024. Collection method: clinical testing. Allele origin: germline.

Ambry Genetics
Classification: Uncertain significance for Inborn genetic diseases. Last evaluated: 2022-05-30. Review status: criteria provided, single submitter. Criteria: Ambry Variant Classification Scheme 2023. Collection method: clinical testing. Allele origin: germline.

NM_001142864.4(PIEZO1):c.3626G>A (p.Arg1209Gln)

Gene: PIEZO1 (piezo type mechanosensitive ion channel component 1 (Er blood group); minus strand). Cytogenetic location: 16q24.3.
Variant type: single nucleotide variant.
Coding change: c.3626G>A on transcript NM_001142864.4 (MANE Select); coding-DNA position 3626, G replaced by A.
Protein change: p.Arg1209Gln; replaces arginine 1209 with glutamine.
Molecular consequence: missense variant.
Genome position (GRCh38, 1-based): chr16:88,726,788, C>T on the plus strand (G>A on the coding strand, the complement: PIEZO1 is on the minus strand). VCF-style: chr16-88726788-C-T. GRCh37 (hg19) VCF-style: chr16-88793196-C-T.
Other names: p.Arg1209Gln; c.2168G>A, p.Arg723Gln (NM_014745.1); short protein forms R723Q, R1209Q.
Identifiers: ClinVar variation 2378478 (VCV002378478.10), dbSNP rs547120028, ClinGen allele CA8232440.
Genomic context (GRCh38, chr16:88,726,788, plus strand): 5'-TTGGAGATGATGACGGTGACGTTGTACAGAATGAGGCAGTCCCACAGCACGAGGCGGGCC[C>T]GTGTGTCCCTCTGCAGCAGGGCCGTGCCGAAGAGCAGCAGGTAGAAGCAGGCCAGCAGGT-3'
Protein context (NP_001136336.2, residues 1199-1219): FGTALLQRDT[Arg1209Gln]ARLVLWDCLI